The following is an entry in ClinVar:

ClinVar aggregate classification (germline): Pathogenic (1 of 4 stars; one submission).

Conditions:
Joubert syndrome. Also called: CEREBELLOPARENCHYMAL DISORDER IV; JOUBERT-BOLTSHAUSER SYNDROME; Familial aplasia of the vermis. Identifiers: Orphanet 475, MedGen C5979921, MONDO:0018772.
Nephronophthisis. Also called: Juvenile Nephronophthisis. Identifiers: Orphanet 655, MedGen C0687120, MONDO:0019005, HP:0000090.
Meckel-Gruber syndrome. Also called: DYSENCEPHALIA SPLANCHNOCYSTICA; GRUBER SYNDROME; Dysencephalia splachnocystica. Identifiers: Orphanet 564, MedGen C0265215, MONDO:0018921.

Submission:

Labcorp Genetics (formerly Invitae), Labcorp
Classification: Pathogenic for Joubert syndrome; Meckel-Gruber syndrome; Nephronophthisis. Last evaluated: 2022-11-02. Review status: criteria provided, single submitter. Criteria: Invitae Variant Classification Sherloc (09022015). Collection method: clinical testing. Allele origin: germline.
Comment: For these reasons, this variant has been classified as Pathogenic. This sequence change creates a premature translational stop signal (p.Glu36*) in the CEP290 gene. It is expected to result in an absent or disrupted protein product. Loss-of-function variants in CEP290 are known to be pathogenic (PMID: 16909394, 17345604, 20690115). This variant is not present in population databases (gnomAD no frequency). This premature translational stop signal has been observed in individual(s) with Leber congenital amaurosis (PMID: 27375279). Algorithms developed to predict the effect of sequence changes on RNA splicing suggest that this variant may disrupt the consensus splice site.

Literature cited by the submitters: PubMed 16909394; PubMed 17345604; PubMed 20690115; PubMed 27375279.

NM_025114.4(CEP290):c.106G>T (p.Glu36Ter)

Gene: CEP290 (centrosomal protein 290; minus strand). Cytogenetic location: 12q21.32.
Variant type: single nucleotide variant.
Coding change: c.106G>T on transcript NM_025114.4 (MANE Select); coding-DNA position 106, G replaced by T.
Protein change: p.Glu36Ter; replaces glutamic acid 36 with a stop codon.
Molecular consequence: nonsense.
Genome position (GRCh38, 1-based): chr12:88,141,030, C>A on the plus strand (G>T on the coding strand, the complement: CEP290 is on the minus strand). VCF-style: chr12-88141030-C-A. GRCh37 (hg19) VCF-style: chr12-88534807-C-A.
Other names: short protein forms E36*.
Identifiers: ClinVar variation 2925501 (VCV002925501.3), dbSNP rs868347260, ClinGen allele CA241168621.
Genomic context (GRCh38, chr12:88,141,030, plus strand): 5'-GAGTAATTCTGAAAAGGTGTATCACATTTTCTTGCTTTTCACTTTTTAGCTCATTTACTT[C>A]CACCTAAGTAAACAGAAAAGCAACTGTTTTATATTTTATAACCTTCAAGCAAAATATAAG-3'